The following is an entry in ClinVar:

ClinVar aggregate classification (germline): Conflicting classifications of pathogenicity. Review status: criteria provided, conflicting classifications (1 of 4 stars). 8 submissions from 6 submitters: Uncertain significance (3); Likely benign (5). Last evaluated 2026-01-12.

Conditions:
Usher syndrome type 1 (USH1). Also called: RETINITIS PIGMENTOSA AND CONGENITAL DEAFNESS. Identifiers: Orphanet 231169, Orphanet 886, MedGen C1568247, MONDO:0010168, OMIM 276900.
MYO7A-related disorder. Also called: MYO7A-related disorders.
Autosomal dominant nonsyndromic hearing loss 11. Identifiers: Orphanet 90635, MedGen C1832475, MONDO:0011032, OMIM 601317.
Autosomal recessive nonsyndromic hearing loss 2. Also called: DEAFNESS, AUTOSOMAL RECESSIVE 2; NEUROSENSORY NONSYNDROMIC RECESSIVE DEAFNESS 2. Identifiers: Orphanet 90636, MedGen C1838701, MONDO:0010807, OMIM 600060.

Allele frequency attached by ClinVar (database versions not stated): gnomAD exomes 0.00002 and 0.00004; ExAC 0.00006; 1000 Genomes Project 30x 0.00016; gnomAD 0.00016 and 0.00017; 1000 Genomes Project 0.00020; TOPMed 0.00020; ESP Exome Variant Server 0.00024.

Submissions (8):

Labcorp Genetics (formerly Invitae), Labcorp
Classification: Likely benign. Last evaluated: 2026-01-12. Review status: criteria provided, single submitter. Criteria: Invitae Variant Classification Sherloc (09022015). Collection method: clinical testing. Allele origin: germline.

PreventionGenetics, part of Exact Sciences
Classification: Likely benign for MYO7A-related condition. Last evaluated: 2025-12-26. Review status: criteria provided, single submitter. Criteria: ACMG Guidelines, 2015. Collection method: clinical testing. Allele origin: germline.
Comment: This variant is classified as likely benign based on ACMG/AMP sequence variant interpretation guidelines (Richards et al. 2015 PMID: 25741868, with internal and published modifications).

Blueprint Genetics
Classification: Likely benign. Last evaluated: 2022-02-05. Review status: criteria provided, single submitter. Criteria: ACMG Guidelines, 2015. Collection method: clinical testing. Allele origin: germline.

Athena Diagnostics
Classification: Likely benign. Last evaluated: 2019-09-30. Review status: criteria provided, single submitter. Criteria: Athena Diagnostics Criteria. Collection method: clinical testing. Allele origin: unknown.

Illumina Laboratory Services, Illumina
Classification: Uncertain significance for Autosomal recessive nonsyndromic hearing loss 2. Last evaluated: 2018-01-13. Review status: criteria provided, single submitter. Criteria: ICSL Variant Classification Criteria 13 December 2019. Collection method: clinical testing. Allele origin: germline.

Illumina Laboratory Services, Illumina
Classification: Uncertain significance for Autosomal dominant nonsyndromic hearing loss 11. Last evaluated: 2018-01-13. Review status: criteria provided, single submitter. Criteria: ICSL Variant Classification Criteria 13 December 2019. Collection method: clinical testing. Allele origin: germline.

Illumina Laboratory Services, Illumina
Classification: Uncertain significance for Usher syndrome type 1. Last evaluated: 2018-01-13. Review status: criteria provided, single submitter. Criteria: ICSL Variant Classification Criteria 13 December 2019. Collection method: clinical testing. Allele origin: germline.

Laboratory for Molecular Medicine, Mass General Brigham Personalized Medicine
Classification: Likely benign. Last evaluated: 2012-05-07. Review status: criteria provided, single submitter. Criteria: LMM Criteria. Collection method: clinical testing. Allele origin: germline. Observed: 1 variant allele.
Comment: "Arg866Arg in Exon 22 of MYO7A: This variant is not expected to have clinical significance because it does not alter an amino acid residue, is not located within the splice consensus sequence, and has been identified in 0.1% (3/3400) of African American chromosomes from a broad population by the NHLBI Exome Sequencing Project."

Literature cited by the submitters: PubMed 10930322 (cited by Athena Diagnostics).

NM_000260.4(MYO7A):c.2598C>T (p.Arg866=)

Gene: MYO7A (myosin VIIA; plus strand). Cytogenetic location: 11q13.5.
Variant type: single nucleotide variant.
Coding change: c.2598C>T on transcript NM_000260.4 (MANE Select); coding-DNA position 2598, C replaced by T.
Protein change: p.Arg866=; no amino-acid change (arginine 866 retained).
Molecular consequence: synonymous variant.
Genome position (GRCh38, 1-based): chr11:77,180,385, C>T. VCF-style: chr11-77180385-C-T. GRCh37 (hg19) VCF-style: chr11-76891431-C-T.
Other names: c.2598C>T, p.Arg866= (NM_001127180.2); c.2565C>T, p.Arg855= (NM_001369365.1).
Identifiers: ClinVar variation 883582 (VCV000883582.19), dbSNP rs375968860, ClinGen allele CA6197874.